The following is an entry in ClinVar:

ClinVar aggregate classification (germline): Uncertain significance. Review status: criteria provided, multiple submitters, no conflicts (2 of 4 stars). 2 submissions from 2 submitters: Uncertain significance (2). Last evaluated 2024-02-20.

Conditions:
Hereditary cancer-predisposing syndrome. Also called: Tumor predisposition; Hereditary Cancer Syndrome; Hereditary neoplastic syndrome; Neoplastic Syndromes, Hereditary. Identifiers: Orphanet 140162, MedGen C0027672, MeSH D009386, MONDO:0015356.
POLD1-related polyposis and colorectal cancer syndrome (CRCS10). Also called: Colorectal cancer 10; COLORECTAL CANCER, SUSCEPTIBILITY TO, ON CHROMOSOME 19q; Colorectal cancer, susceptibility to, 10. Identifiers: Orphanet 220460, MedGen C2675481, MONDO:0012953, OMIM 612591.

gnomAD v4.1: 5 of 1,613,220 alleles (0.00031%); highest among the groups gnomAD compares: Non-Finnish European, 0.00042%; no homozygotes.

Submissions (2):

Ambry Genetics
Classification: Uncertain significance for Hereditary cancer-predisposing syndrome. Last evaluated: 2024-02-20. Review status: criteria provided, single submitter. Criteria: Ambry Variant Classification Scheme 2023. Collection method: clinical testing. Allele origin: germline.
Comment: The p.I868M variant (also known as c.2604C>G), located in coding exon 20 of the POLD1 gene, results from a C to G substitution at nucleotide position 2604. The isoleucine at codon 868 is replaced by methionine, an amino acid with highly similar properties. This amino acid position is conserved. In addition, this alteration is predicted to be tolerated by in silico analysis. Based on the available evidence, the clinical significance of this alteration remains unclear.

Labcorp Genetics (formerly Invitae), Labcorp
Classification: Uncertain significance for POLD1-related polyposis and colorectal cancer syndrome. Last evaluated: 2022-07-11. Review status: criteria provided, single submitter. Criteria: Invitae Variant Classification Sherloc (09022015). Collection method: clinical testing. Allele origin: germline.
Comment: In summary, the available evidence is currently insufficient to determine the role of this variant in disease. Therefore, it has been classified as a Variant of Uncertain Significance. Algorithms developed to predict the effect of missense changes on protein structure and function are either unavailable or do not agree on the potential impact of this missense change (SIFT: "Deleterious"; PolyPhen-2: "Probably Damaging"; Align-GVGD: "Class C0"). ClinVar contains an entry for this variant (Variation ID: 851572). This variant has not been reported in the literature in individuals affected with POLD1-related conditions. This variant is not present in population databases (gnomAD no frequency). This sequence change replaces isoleucine, which is neutral and non-polar, with methionine, which is neutral and non-polar, at codon 868 of the POLD1 protein (p.Ile868Met).

NM_002691.4(POLD1):c.2604C>G (p.Ile868Met)

Gene: POLD1 (DNA polymerase delta 1, catalytic subunit; plus strand). Cytogenetic location: 19q13.33.
Variant type: single nucleotide variant.
Coding change: c.2604C>G on transcript NM_002691.4 (MANE Select); coding-DNA position 2604, C replaced by G.
Protein change: p.Ile868Met; replaces isoleucine 868 with methionine.
Molecular consequence: missense variant. On other transcripts: non-coding transcript variant (1).
Genome position (GRCh38, 1-based): chr19:50,415,477, C>G. VCF-style: chr19-50415477-C-G. GRCh37 (hg19) VCF-style: chr19-50918734-C-G.
Other names: c.2604C>G (NM_002691.2); c.2604C>G, p.Ile868Met (NM_001256849.1); c.2682C>G, p.Ile894Met (NM_001308632.1); short protein forms I894M, I868M.
Identifiers: ClinVar variation 851572 (VCV000851572.10), dbSNP rs1060504365, ClinGen allele CA406985397.